The following is an entry in ClinVar:

ClinVar aggregate classification (germline): Pathogenic (1 of 4 stars; one submission).

Submission:

Labcorp Genetics (formerly Invitae), Labcorp
Classification: Pathogenic. Last evaluated: 2023-12-09. Review status: criteria provided, single submitter. Criteria: Invitae Variant Classification Sherloc (09022015). Collection method: clinical testing. Allele origin: germline.
Comment: This sequence change creates a premature translational stop signal (p.Tyr723*) in the MYH3 gene. It is expected to result in an absent or disrupted protein product. Loss-of-function variants in MYH3 are known to be pathogenic (PMID: 29805041, 30008475). This variant is not present in population databases (gnomAD no frequency). This variant has not been reported in the literature in individuals affected with MYH3-related conditions. For these reasons, this variant has been classified as Pathogenic.

Literature cited by the submitters: PubMed 29805041; PubMed 30008475.

NM_002470.4(MYH3):c.2169C>G (p.Tyr723Ter)

Gene: MYH3 (myosin heavy chain 3; minus strand). Cytogenetic location: 17p13.1.
Variant type: single nucleotide variant.
Coding change: c.2169C>G on transcript NM_002470.4 (MANE Select); coding-DNA position 2169, C replaced by G.
Protein change: p.Tyr723Ter; replaces tyrosine 723 with a stop codon.
Molecular consequence: nonsense.
Genome position (GRCh38, 1-based): chr17:10,640,683, G>C on the plus strand (C>G on the coding strand, the complement: MYH3 is on the minus strand). VCF-style: chr17-10640683-G-C. GRCh37 (hg19) VCF-style: chr17-10544000-G-C.
Other names: short protein forms Y723*.
Identifiers: ClinVar variation 2826570 (VCV002826570.3), dbSNP rs899460390, ClinGen allele CA398165866.
Genomic context (GRCh38, chr17:10,640,683, plus strand): 5'-ACAGGCTTTCTTGCTGTCAATGAATTGTCCCTCAGGGATTGCACTGGCATTCAGCACTCG[G>C]TATCTGCATTGTAGACATGGAAATCATCACAGACTGTTGGCAAAGACACAAACCTTGGAG-3'